The following is an entry in ClinVar:

NM_014855.3(AP5Z1):c.498_511+9del

Gene: AP5Z1 (adaptor related protein complex 5 subunit zeta 1; plus strand). Cytogenetic location: 7p22.1.
Variant type: Deletion.
Coding change: c.498_511+9del on transcript NM_014855.3 (MANE Select); coding-DNA position 498 through 9 bases into the intron after coding-DNA position 511, 23 bases deleted (CACCCTCCAGGAGGGTACGCGGG).
Molecular consequence: splice donor variant.
Genome position (GRCh38, 1-based): chr7:4,783,447-4,783,469, CACCCTCCAGGAGGGTACGCGGG deleted; deleting any 23 consecutive bases within chr7:4,783,443-4,783,469 gives the same sequence; the c. name uses the placement nearest the transcript's 3' end. VCF-style (leftmost placement, unchanged base first): chr7-4783442-CCGGGCACCCTCCAGGAGGGTACG-C. GRCh37 (hg19) VCF-style: chr7-4823073-CCGGGCACCCTCCAGGAGGGTACG-C.
Other names: c.30_43+9del (NM_001364858.1).
Identifiers: ClinVar variation 3767110 (VCV003767110.2).

ClinVar aggregate classification (germline): Likely pathogenic (1 of 4 stars; one submission).

Conditions:
Hereditary spastic paraplegia 48. Also called: Spastic paraplegia 48; SPASTIC PARAPLEGIA 48, AUTOSOMAL RECESSIVE. Identifiers: Orphanet 306511, MedGen C3150901, MONDO:0013342, OMIM 613647.

Submission:

Juno Genomics, Hangzhou Juno Genomics, Inc
Classification: Likely pathogenic for Hereditary spastic paraplegia 48. Review status: criteria provided, single submitter. Criteria: ACMG Guidelines, 2015. Collection method: clinical testing. Allele origin: germline. Affected: yes.
Comment: Absent from controls (or at extremely low frequency if recessive) in Genome Aggregation Database, Exome Sequencing Project, 1000 Genomes Project, or Exome Aggregation Consortium.;Null variant in a gene where loss of function (LOF) is a known mechanism of disease.